The following is an entry in ClinVar:

ClinVar aggregate classification (germline): Uncertain significance (1 of 4 stars; one submission).

Conditions:
Hereditary breast ovarian cancer syndrome. Also called: Hereditary breast and/or ovarian cancer syndrome; BRCA1- and BRCA2-Associated Hereditary Breast and Ovarian Cancer; Hereditary breast and ovarian cancer syndrome; Hereditary breast and ovarian cancer; Hereditary breast and ovarian cancer syndrome (HBOC); Breast and ovarian cancer. Identifiers: Orphanet 145, MedGen C0677776, MeSH D061325, MONDO:0003582. Disease mechanism: loss of function.

Submissions (2):

German Consortium for Hereditary Breast and Ovarian Cancer, University Hospital Cologne
Classification: Uncertain significance for Hereditary breast ovarian cancer syndrome. Last evaluated: 2026-06-09. Review status: criteria provided, single submitter. Criteria: ClinGen BRCA1 1.2.0. Collection method: curation. Allele origin: germline.
Comment: This classification follows the ClinGen ENIGMA BRCA1 v1.2.0 classification scheme; We chose these criteria: PM2 (supporting pathogenic): gnomAD v2, 3, 4: absent from controls, PP3 (supporting pathogenic): SpliceAI AL = 0.5 & DL = 0.55 , BS3 (strong benign): As per Table9_BRCA12VCEP_specs: Findlay (2018, PMID: 30209399) - FUNCTIONAL

Brotman Baty Institute, University of Washington
No classification provided (evidence only). Condition: Breast-ovarian cancer, familial 1. Review status: no classification provided. Collection method: in vitro. Allele origin: not applicable. Functional consequence: functionally_normal. Not counted in ClinVar's aggregate classification.
ClinVar note: "not provided" was previously submitted as the classification for the variant. However, the classification appeared to be based only on an observation of functional data so it was converted to no classification on 2025-07-30.

NM_007294.4(BRCA1):c.165G>T (p.Lys55Asn)

Gene: BRCA1 (BRCA1 DNA repair associated; minus strand). Cytogenetic location: 17q21.31.
Variant type: single nucleotide variant.
Coding change: c.165G>T on transcript NM_007294.4 (MANE Select); coding-DNA position 165, G replaced by T.
Protein change: p.Lys55Asn; replaces lysine 55 with asparagine.
Molecular consequence: missense variant. On other transcripts: non-coding transcript variant (1).
Genome position (GRCh38, 1-based): chr17:43,106,503, C>A on the plus strand (G>T on the coding strand, the complement: BRCA1 is on the minus strand). VCF-style: chr17-43106503-C-A. GRCh37 (hg19) VCF-style: chr17-41258520-C-A.
Other names: c.24G>T, p.Lys8Asn (NM_001407926.1, NM_001407927.1, NM_001407928.1 and 99 more transcripts); c.165G>T, p.Lys55Asn (NM_001407937.1, NM_001407938.1, NM_001407939.1 and 168 more transcripts); c.-24G>T (NM_001407946.1, NM_001407947.1, NM_001407948.1 and 58 more transcripts); short protein forms K55N, K8N.
Identifiers: ClinVar variation 867292 (VCV000867292.4), dbSNP rs1597900495, ClinGen allele CA10601825.